The following is an entry in ClinVar:

NM_001029883.3(PCARE):c.1318C>G (p.Pro440Ala)

Gene: PCARE (photoreceptor cilium actin regulator; minus strand). Cytogenetic location: 2p23.2.
Variant type: single nucleotide variant.
Coding change: c.1318C>G on transcript NM_001029883.3 (MANE Select); coding-DNA position 1318, C replaced by G.
Protein change: p.Pro440Ala; replaces proline 440 with alanine.
Molecular consequence: missense variant.
Genome position (GRCh38, 1-based): chr2:29,072,944, G>C on the plus strand (C>G on the coding strand, the complement: PCARE is on the minus strand). VCF-style: chr2-29072944-G-C. GRCh37 (hg19) VCF-style: chr2-29295810-G-C.
Other names: short protein forms P440A.
Identifiers: ClinVar variation 871085 (VCV000871085.43), dbSNP rs1469162645, ClinGen allele CA346480443.

ClinVar aggregate classification (germline): Uncertain significance. Review status: criteria provided, multiple submitters, no conflicts (2 of 4 stars). 2 submissions from 2 submitters: Uncertain significance (2). Last evaluated 2024-09-06.

Allele frequency attached by ClinVar (database versions not stated): gnomAD 0.00001; TOPMed 0.00001.
gnomAD v4.1: 33 of 1,614,012 alleles (0.002%); highest among the groups gnomAD compares: Non-Finnish European, 0.0027%; no homozygotes.

Submissions (2):

Labcorp Genetics (formerly Invitae), Labcorp
Classification: Uncertain significance. Last evaluated: 2024-09-06. Review status: criteria provided, single submitter. Criteria: Invitae Variant Classification Sherloc (09022015). Collection method: clinical testing. Allele origin: germline.
Comment: This sequence change replaces proline, which is neutral and non-polar, with alanine, which is neutral and non-polar, at codon 440 of the PCARE protein (p.Pro440Ala). This variant is not present in population databases (gnomAD no frequency). This variant has not been reported in the literature in individuals affected with PCARE-related conditions. ClinVar contains an entry for this variant (Variation ID: 871085). An algorithm developed to predict the effect of missense changes on protein structure and function outputs the following: PolyPhen-2: "Benign". The alanine amino acid residue is found in multiple mammalian species, which suggests that this missense change does not adversely affect protein function. In summary, the available evidence is currently insufficient to determine the role of this variant in disease. Therefore, it has been classified as a Variant of Uncertain Significance.

CeGaT Center for Human Genetics Tuebingen
Classification: Uncertain significance. Last evaluated: 2019-07-01. Review status: criteria provided, single submitter. Criteria: CeGaT Center For Human Genetics Tuebingen Variant Classification Criteria Version 2. Collection method: clinical testing. Allele origin: germline. Affected: yes. Observed: 1 variant allele.